The following is an entry in ClinVar:

ClinVar aggregate classification (germline): Conflicting classifications of pathogenicity. Review status: criteria provided, conflicting classifications (1 of 4 stars). 11 submissions from 11 submitters: Uncertain significance (6); Likely benign (2). 3 of the submissions do not count toward it. Last evaluated 2026-07-14.

Conditions:
Hereditary cancer-predisposing syndrome. Also called: Tumor predisposition; Neoplastic Syndromes, Hereditary; Hereditary neoplastic syndrome; Hereditary Cancer Syndrome. Identifiers: Orphanet 140162, MedGen C0027672, MeSH D009386, MONDO:0015356.
FANCM-related disorder. Also called: FANCM-related condition.
Spermatogenic failure 28. Identifiers: MedGen C4748117, MONDO:0054732, OMIM 618086.
Premature ovarian failure 15. Identifiers: MedGen C4748170, MONDO:0054862, OMIM 618096.
Fanconi anemia (FA). Also called: Fanconi's anemia. Identifiers: Orphanet 84, MedGen C0015625, MeSH D005199, MONDO:0019391.

Allele frequency attached by ClinVar (database versions not stated): gnomAD 0.00147 and 0.00143; TOPMed 0.00156; gnomAD exomes 0.00179 and 0.00098; ESP Exome Variant Server 0.00092; ExAC 0.00093.
gnomAD v4.1: 2,773 of 1,609,804 alleles (0.17%); highest among the groups gnomAD compares: Admixed American, 0.28%; 7 homozygotes.

Submissions (11):

GeneDx
Classification: Uncertain significance. Last evaluated: 2026-07-14. Review status: criteria provided, single submitter. Criteria: GeneDx Variant Classification Process June 2021. Collection method: clinical testing. Allele origin: germline.
Comment: Observed in individuals with a personal or family history of breast or other cancers, but also in unaffected controls (PMID: 28881617, 19737859, 34646395, 29351780, 30426508); In silico analysis suggests that this missense variant does not alter protein structure/function; This variant is associated with the following publications: (PMID: 30426508, 19737859, 29351780, 28881617, 32268276, 29641532, 34646395, 36980780, Aretini2026[preprint])

Labcorp Genetics (formerly Invitae), Labcorp
Classification: Likely benign for Fanconi anemia. Last evaluated: 2026-02-03. Review status: criteria provided, single submitter. Criteria: Invitae Variant Classification Sherloc (09022015). Collection method: clinical testing. Allele origin: germline.

Blueprint Genetics
Classification: Likely benign. Last evaluated: 2024-11-05. Review status: criteria provided, single submitter. Criteria: ACMG Guidelines, 2015. Collection method: clinical testing. Allele origin: germline.

CeGaT Center for Human Genetics Tuebingen
Classification: Uncertain significance. Last evaluated: 2023-07-01. Review status: criteria provided, single submitter. Criteria: CeGaT Center For Human Genetics Tuebingen Variant Classification Criteria Version 2. Collection method: clinical testing. Allele origin: germline. Affected: yes. Observed: 1 variant allele.
Comment: FANCM: PM2, BP4

Sema4
Classification: Uncertain significance for Hereditary cancer-predisposing syndrome. Last evaluated: 2022-03-06. Review status: criteria provided, single submitter. Criteria: Sema4 Curation Guidelines. Collection method: curation. Allele origin: germline.
Comment: The FANCM c.1576C>G (p.L526V) variant has been reported in several individuals with metastatic prostate, breast, and/or ovarian cancer (PMID: 30426508, 19737859, 29351780, 32268276). In one patient with early-onset breast cancer, this variant co-occurred with an NBN frameshift variant (PMID: 30426508). This variant has also been reported in healthy controls (PMID: 29641532). It was observed in 271/281386 chromosomes across all populations in the large and broad cohorts of the Genome Aggregation Database (PMID: 32461654). The variant has been reported in ClinVar (Variation ID 313199). In silico tools suggest the impact of the variant on protein function is benign, though these predictions have not been confirmed by functional studies. The evidence is insufficient to meet ACMG/AMP criteria for classifying the variant as benign or pathogenic. Thus, the clinical significance of this variant is currently uncertain.

Institute for Clinical Genetics, University Hospital TU Dresden, University Hospital TU Dresden
Classification: Uncertain significance. Last evaluated: 2021-11-03. Review status: criteria provided, single submitter. Criteria: ACMG Guidelines, 2015. Collection method: clinical testing. Allele origin: germline.

Baylor Genetics
Classification: Uncertain significance for Spermatogenic failure 28. Last evaluated: 2020-06-05. Review status: criteria provided, single submitter. Criteria: ACMG Guidelines, 2015. Collection method: clinical testing. Allele origin: unknown. Affected: yes. Study: CSER-TexasKidsCanSeq.
Comment: This variant was determined to be of uncertain significance according to ACMG Guidelines, 2015 [PMID:25741868].

Fulgent Genetics
Classification: Uncertain significance for Spermatogenic failure 28; Premature ovarian failure 15. Last evaluated: 2018-10-31. Review status: criteria provided, single submitter. Criteria: ACMG Guidelines, 2015. Collection method: clinical testing. Allele origin: unknown.

PreventionGenetics, part of Exact Sciences
Classification: Likely benign for FANCM-related condition. Last evaluated: 2022-04-26. Review status: no assertion criteria provided. Collection method: clinical testing. Allele origin: germline. Not counted in ClinVar's aggregate classification.
Comment: This variant is classified as likely benign based on ACMG/AMP sequence variant interpretation guidelines (Richards et al. 2015 PMID: 25741868, with internal and published modifications).

Clinical Genetics DNA and cytogenetics Diagnostics Lab, Erasmus MC, Erasmus Medical Center
Classification: Likely benign. Review status: no assertion criteria provided. Collection method: clinical testing. Allele origin: germline. Affected: yes. Study: VKGL Data-share Consensus. Not counted in ClinVar's aggregate classification.

Genome Diagnostics Laboratory, Amsterdam University Medical Center
Classification: Likely benign. Review status: no assertion criteria provided. Collection method: clinical testing. Allele origin: germline. Affected: yes. Study: VKGL Data-share Consensus. Not counted in ClinVar's aggregate classification.

Literature cited by the submitters: PubMed 30426508 (cited by Sema4); PubMed 19737859 (cited by Sema4); PubMed 29351780 (cited by Sema4); PubMed 32268276 (cited by Sema4); PubMed 29641532 (cited by Sema4).

NM_020937.4(FANCM):c.1576C>G (p.Leu526Val)

Gene: FANCM (FA complementation group M; plus strand). Cytogenetic location: 14q21.2.
Variant type: single nucleotide variant.
Coding change: c.1576C>G on transcript NM_020937.4 (MANE Select); coding-DNA position 1576, C replaced by G.
Protein change: p.Leu526Val; replaces leucine 526 with valine.
Molecular consequence: missense variant.
Genome position (GRCh38, 1-based): chr14:45,159,275, C>G. VCF-style: chr14-45159275-C-G. GRCh37 (hg19) VCF-style: chr14-45628478-C-G.
Other names: c.1498C>G, p.Leu500Val (NM_001308133.2); c.1576C>G, p.Leu526Val (NM_001308134.2); short protein forms L526V, L500V.
Identifiers: ClinVar variation 313199 (VCV000313199.58), dbSNP rs144215747, ClinGen allele CA7169086.
Genomic context (GRCh38, chr14:45,159,275, plus strand): 5'-ATGACTTTTGTCGGCCATGCCTCAGGGAAAAGCACGAAGGGTTTTACCCAGAAGGAGCAA[C>G]TGGAGGTAATTATTTTTGGAATTGATAAAAATAAAAATAAGATTGATTAGCTTTGCACTT-3'
Protein context (NP_065988.1, residues 516-536): STKGFTQKEQ[Leu526Val]EVVKQFRDGG